The following is an entry in ClinVar:

NM_003072.5(SMARCA4):c.4171-1774T>A

Gene: SMARCA4 (SWI/SNF related BAF chromatin remodeling complex subunit ATPase 4; plus strand). Cytogenetic location: 19p13.2.
Variant type: single nucleotide variant.
Coding change: c.4171-1774T>A on transcript NM_003072.5 (MANE Select); 1774 bases into the intron before coding-DNA position 4171, T replaced by A.
Molecular consequence: intron variant. On other transcripts: missense variant (1).
Genome position (GRCh38, 1-based): chr19:11,039,533, T>A. VCF-style: chr19-11039533-T-A. GRCh37 (hg19) VCF-style: chr19-11150209-T-A.
Other names: c.4246T>A, p.Phe1416Ile (NM_001128849.3); c.4171-1774T>A (NM_001128844.3); c.4072-1774T>A (NM_001128847.4, NM_001374457.1, NM_001128848.2); c.4072-1765T>A (NM_001128845.2, NM_001128846.2); short protein forms F1416I.
Identifiers: ClinVar variation 824714 (VCV000824714.12), dbSNP rs1600446408, ClinGen allele CA404071742.

ClinVar aggregate classification (germline): Conflicting classifications of pathogenicity. Review status: criteria provided, conflicting classifications (1 of 4 stars). 3 submissions from 3 submitters: Uncertain significance (2); Likely benign (1). Last evaluated 2025-03-27.

Conditions:
Rhabdoid tumor predisposition syndrome 2 (RTPS2). Identifiers: Orphanet 231108, Orphanet 69077, MedGen C2750074, MONDO:0013224, OMIM 613325.
Hereditary cancer-predisposing syndrome. Also called: Neoplastic Syndromes, Hereditary; Tumor predisposition; Hereditary neoplastic syndrome; Hereditary Cancer Syndrome. Identifiers: Orphanet 140162, MedGen C0027672, MeSH D009386, MONDO:0015356.

gnomAD v4.1: 1 of 1,602,572 alleles (0.000062%); no homozygotes.

Submissions (3):

Ambry Genetics
Classification: Likely benign for Hereditary cancer-predisposing syndrome. Last evaluated: 2025-03-27. Review status: criteria provided, single submitter. Criteria: Ambry Variant Classification Scheme 2023. Collection method: clinical testing. Allele origin: germline.

Labcorp Genetics (formerly Invitae), Labcorp
Classification: Uncertain significance for Rhabdoid tumor predisposition syndrome 2. Last evaluated: 2023-03-14. Review status: criteria provided, single submitter. Criteria: Invitae Variant Classification Sherloc (09022015). Collection method: clinical testing. Allele origin: germline.
Comment: In summary, the available evidence is currently insufficient to determine the role of this variant in disease. Therefore, it has been classified as a Variant of Uncertain Significance. An algorithm developed to predict the effect of missense changes on protein structure and function (PolyPhen-2) suggests that this variant is likely to be tolerated. ClinVar contains an entry for this variant (Variation ID: 824714). This variant has not been reported in the literature in individuals affected with SMARCA4-related conditions. This variant is not present in population databases (gnomAD no frequency). This sequence change replaces phenylalanine, which is neutral and non-polar, with isoleucine, which is neutral and non-polar, at codon 1416 of the SMARCA4 protein (p.Phe1416Ile).

Quest Diagnostics Nichols Institute San Juan Capistrano
Classification: Uncertain significance. Last evaluated: 2022-11-11. Review status: criteria provided, single submitter. Criteria: Quest Diagnostics criteria. Collection method: clinical testing. Allele origin: unknown.
Comment: The variant has not been reported in the published literature. It also has not been reported in large, multi-ethnic general populations. Analysis of this variant using bioinformatics tools for the prediction of the effect of amino acid changes on protein structure and function yielded predictions that this variant is benign. Based on the available information, we are unable to determine the clinical significance of this variant.